The following is an entry in ClinVar:

ClinVar aggregate classification (germline): Pathogenic (1 of 4 stars; one submission).

Conditions:
Saldino-Mainzer syndrome (SRTD9). Also called: CONORENAL SYNDROME; Renal dysplasia, retinal pigmentary dystrophy, cerebellar ataxia and skeletal dysplasia; SHORT-RIB THORACIC DYSPLASIA 9 WITHOUT POLYDACTYLY; short-rib thoracic dysplasia 9 with or without polydactyly. Identifiers: Orphanet 140969, MedGen C1849437, MONDO:0009964, OMIM 266920.

Allele frequency attached by ClinVar (database versions not stated): gnomAD exomes below 0.00001; ExAC 0.00001.

Submission:

Labcorp Genetics (formerly Invitae), Labcorp
Classification: Pathogenic for Saldino-Mainzer syndrome. Last evaluated: 2025-07-13. Review status: criteria provided, single submitter. Criteria: Invitae Variant Classification Sherloc (09022015). Collection method: clinical testing. Allele origin: germline.
Comment: This sequence change creates a premature translational stop signal (p.Gln372Argfs*24) in the IFT140 gene. It is expected to result in an absent or disrupted protein product. Loss-of-function variants in IFT140 are known to be pathogenic (PMID: 22503633, 23418020, 24009529, 26216056). This variant is present in population databases (rs777990630, gnomAD 0.006%). This variant has not been reported in the literature in individuals affected with IFT140-related conditions. ClinVar contains an entry for this variant (Variation ID: 2730671). For these reasons, this variant has been classified as Pathogenic.

Literature cited by the submitters: PubMed 22503633; PubMed 23418020; PubMed 24009529; PubMed 26216056.

NM_014714.4(IFT140):c.1114del (p.Gln372fs)

Genes: IFT140 (intraflagellar transport 140; minus strand), LOC105371046 (uncharacterized LOC105371046; plus strand). Cytogenetic location: 16p13.3.
Variant type: Deletion.
Coding change: c.1114del on transcript NM_014714.4 (MANE Select); coding-DNA position 1114, one base deleted (C; older notation c.1114delC).
Protein change: p.Gln372fs; shifts the reading frame from glutamine 372.
Molecular consequence: frameshift variant.
Genome position (GRCh38, 1-based): chr16:1,586,171, G deleted on the plus strand (C on the coding strand, the reverse complement: IFT140 is on the minus strand). VCF-style (leftmost placement, unchanged base first): chr16-1586170-TG-T. GRCh37 (hg19) VCF-style: chr16-1636171-TG-T.
Other names: short protein forms Q372fs.
Identifiers: ClinVar variation 2730671 (VCV002730671.3), dbSNP rs777990630, ClinGen allele CA7814435.